The following is an entry in ClinVar:

NM_001374828.1(ARID1B):c.1319G>C (p.Gly440Ala)

Gene: ARID1B (AT-rich interaction domain 1B; plus strand). Cytogenetic location: 6q25.3.
Variant type: single nucleotide variant.
Coding change: c.1319G>C on transcript NM_001374828.1 (MANE Select); coding-DNA position 1319, G replaced by C.
Protein change: p.Gly440Ala; replaces glycine 440 with alanine.
Molecular consequence: missense variant.
Genome position (GRCh38, 1-based): chr6:156,778,999, G>C. VCF-style: chr6-156778999-G-C. GRCh37 (hg19) VCF-style: chr6-157100133-G-C.
Other names: c.1319G>C, p.Gly440Ala (NM_001371656.1, NM_001374820.1, NM_017519.3); short protein forms G440A.
Identifiers: ClinVar variation 1686505 (VCV001686505.6), dbSNP rs1332073619, ClinGen allele CA366383973.

ClinVar aggregate classification (germline): Conflicting classifications of pathogenicity. Review status: criteria provided, conflicting classifications (1 of 4 stars). 2 submissions from 2 submitters: Uncertain significance (1); Benign (1). Last evaluated 2025-12-08.

Allele frequency attached by ClinVar (database versions not stated): gnomAD 0.00001.
gnomAD v4.1: 6 of 1,269,278 alleles (0.00047%); highest among the groups gnomAD compares: Admixed American, 0.013%; no homozygotes.

Submissions (2):

Labcorp Genetics (formerly Invitae), Labcorp
Classification: Uncertain significance. Last evaluated: 2025-12-08. Review status: criteria provided, single submitter. Criteria: Invitae Variant Classification Sherloc (09022015). Collection method: clinical testing. Allele origin: germline.
Comment: This sequence change replaces glycine, which is neutral and non-polar, with alanine, which is neutral and non-polar, at codon 357 of the ARID1B protein (p.Gly357Ala). The frequency data for this variant in the population databases is considered unreliable, as metrics indicate insufficient coverage at this position in the gnomAD database. This variant has not been reported in the literature in individuals affected with ARID1B-related conditions. ClinVar contains an entry for this variant (Variation ID: 1686505). Invitae Evidence Modeling of protein sequence and biophysical properties (such as structural, functional, and spatial information, amino acid conservation, physicochemical variation, residue mobility, and thermodynamic stability) indicates that this missense variant is not expected to disrupt ARID1B protein function with a negative predictive value of 95%. In summary, the available evidence is currently insufficient to determine the role of this variant in disease. Therefore, it has been classified as a Variant of Uncertain Significance.

Mendelics
Classification: Benign. Last evaluated: 2022-05-04. Review status: criteria provided, single submitter. Criteria: Mendelics Assertion Criteria 2019. Collection method: clinical testing. Allele origin: germline.